The following is an entry in ClinVar:

ClinVar aggregate classification (germline): Uncertain significance. Review status: criteria provided, multiple submitters, no conflicts (2 of 4 stars). 2 submissions from 2 submitters: Uncertain significance (2). Last evaluated 2025-03-03.

Allele frequency attached by ClinVar (database versions not stated): gnomAD exomes below 0.00001; TOPMed 0.00003; gnomAD 0.00005; ESP Exome Variant Server 0.00008.
gnomAD v4.1: 12 of 1,612,552 alleles (0.00074%); highest among the groups gnomAD compares: African/African-American, 0.015%; no homozygotes.

Submissions (2):

Labcorp Genetics (formerly Invitae), Labcorp
Classification: Uncertain significance. Last evaluated: 2025-03-03. Review status: criteria provided, single submitter. Criteria: Invitae Variant Classification Sherloc (09022015). Collection method: clinical testing. Allele origin: germline.
Comment: This sequence change replaces asparagine, which is neutral and polar, with histidine, which is basic and polar, at codon 435 of the TYRP1 protein (p.Asn435His). This variant is present in population databases (rs141949653, gnomAD 0.02%). This variant has not been reported in the literature in individuals affected with TYRP1-related conditions. ClinVar contains an entry for this variant (Variation ID: 1441200). Invitae Evidence Modeling of protein sequence and biophysical properties (such as structural, functional, and spatial information, amino acid conservation, physicochemical variation, residue mobility, and thermodynamic stability) indicates that this missense variant is expected to disrupt TYRP1 protein function with a positive predictive value of 80%. In summary, the available evidence is currently insufficient to determine the role of this variant in disease. Therefore, it has been classified as a Variant of Uncertain Significance.

Blueprint Genetics
Classification: Uncertain significance. Last evaluated: 2019-11-05. Review status: criteria provided, single submitter. Criteria: ACMG Guidelines, 2015. Collection method: clinical testing. Allele origin: germline.

NM_000550.3(TYRP1):c.1303A>C (p.Asn435His)

Genes: LURAP1L-AS1 (LURAP1L antisense RNA 1; minus strand), TYRP1 (tyrosinase related protein 1; plus strand). Cytogenetic location: 9p23.
Variant type: single nucleotide variant.
Coding change: c.1303A>C on transcript NM_000550.3 (MANE Select); coding-DNA position 1303, A replaced by C.
Protein change: p.Asn435His; replaces asparagine 435 with histidine.
Molecular consequence: missense variant.
Genome position (GRCh38, 1-based): chr9:12,708,038, A>C. VCF-style: chr9-12708038-A-C. GRCh37 (hg19) VCF-style: chr9-12708038-A-C.
Other names: short protein forms N435H.
Identifiers: ClinVar variation 1441200 (VCV001441200.7), dbSNP rs141949653, ClinGen allele CA189317284.
Genomic context (GRCh38, chr9:12,708,038, plus strand): 5'-TGTCTTTGGAATAATTTAGATATATCCACATTTCCATTGGAAAATGCCCCTATTGGACAT[A>C]ATAGACAATACAACATGGTGCCATTCTGGCCCCCAGTCACCAACACAGAAATGTTTGTTA-3'
Protein context (NP_000541.1, residues 425-445): FPLENAPIGH[Asn435His]RQYNMVPFWP